The following is an entry in ClinVar:

NM_001110556.2(FLNA):c.186G>T (p.Lys62Asn)

Gene: FLNA (filamin A; minus strand). Cytogenetic location: Xq28.
Variant type: single nucleotide variant.
Coding change: c.186G>T on transcript NM_001110556.2 (MANE Select); coding-DNA position 186, G replaced by T.
Protein change: p.Lys62Asn; replaces lysine 62 with asparagine.
Molecular consequence: missense variant.
Genome position (GRCh38, 1-based): chrX:154,371,060, C>A on the plus strand (G>T on the coding strand, the complement: FLNA is on the minus strand). VCF-style: chrX-154371060-C-A. GRCh37 (hg19) VCF-style: chrX-153599428-C-A.
Other names: c.186G>T, p.Lys62Asn (NM_001456.4); short protein forms K62N.
Identifiers: ClinVar variation 1402483 (VCV001402483.8), dbSNP rs2148121969, ClinGen allele CA415255100.

ClinVar aggregate classification (germline): Uncertain significance (1 of 4 stars; one submission).

Conditions:
Heterotopia, periventricular, X-linked dominant (PVNH1). Also called: PERIVENTRICULAR NODULAR HETEROTOPIA 4; HETEROTOPIA, PERIVENTRICULAR, 1; PERIVENTRICULAR NODULAR HETEROTOPIA 1; X-linked periventricular heterotopia. Identifiers: Orphanet 2149, Orphanet 82004, MedGen C1848213, MONDO:0010233, OMIM 300049.
Melnick-Needles syndrome (MNS). Also called: MELNICK-NEEDLES OSTEODYSPLASTY; OSTEODYSPLASTY OF MELNICK AND NEEDLES; Melnick-Needles Syndrome (FLNA-MNS). Identifiers: Orphanet 2484, MedGen C0025237, MONDO:0010650, OMIM 309350.
Frontometaphyseal dysplasia (FMD1). Identifiers: Orphanet 1826, MedGen C0265293, MONDO:0015942.
Oto-palato-digital syndrome, type II (OPD2). Also called: FACIOPALATOOSSEOUS SYNDROME; OPD II SYNDROME; Otopalatodigital Syndrome, Type II; Otopalatodigital Syndrome Type 2 (FLNA-OPD2). Identifiers: Orphanet 669, Orphanet 90652, MedGen C1844696, MONDO:0010571, OMIM 304120.

Submission:

Labcorp Genetics (formerly Invitae), Labcorp
Classification: Uncertain significance for Oto-palato-digital syndrome, type II; Heterotopia, periventricular, X-linked dominant; Frontometaphyseal dysplasia; Melnick-Needles syndrome. Last evaluated: 2022-02-02. Review status: criteria provided, single submitter. Criteria: Invitae Variant Classification Sherloc (09022015). Collection method: clinical testing. Allele origin: germline.
Comment: In summary, the available evidence is currently insufficient to determine the role of this variant in disease. Therefore, it has been classified as a Variant of Uncertain Significance. Advanced modeling of protein sequence and biophysical properties (such as structural, functional, and spatial information, amino acid conservation, physicochemical variation, residue mobility, and thermodynamic stability) performed at Invitae indicates that this missense variant is not expected to disrupt FLNA protein function. This variant has not been reported in the literature in individuals affected with FLNA-related conditions. This variant is not present in population databases (gnomAD no frequency). This sequence change replaces lysine, which is basic and polar, with asparagine, which is neutral and polar, at codon 62 of the FLNA protein (p.Lys62Asn).